The following is an entry in ClinVar:

ClinVar aggregate classification (germline): Uncertain significance (1 of 4 stars; one submission).

gnomAD v4.1: 1 of 1,613,070 alleles (0.000062%); highest among the groups gnomAD compares: Non-Finnish European, 0.000085%; no homozygotes.

Submission:

Women's Health and Genetics/Laboratory Corporation of America, LabCorp
Classification: Uncertain significance. Last evaluated: 2025-12-26. Review status: criteria provided, single submitter. Criteria: LabCorp Variant Classification Summary - May 2015. Collection method: clinical testing. Allele origin: germline.
Comment: Variant summary: COL4A4 c.809G>A (p.Gly270Glu) results in a non-conservative amino acid change in the encoded protein sequence. Algorithms developed to predict the effect of missense changes on protein structure and function all suggest that this variant is likely to be disruptive. The variant was absent in 248584 control chromosomes. The available data on variant occurrences in the general population are insufficient to allow any conclusion about variant significance. c.809G>A has been observed in individual(s) affected with Streoid Resistant Nephrotic Syndrome (SRNS) (example, Sen_2017). These report(s) do not provide unequivocal conclusions about association of the variant with Alport Syndrome, Autosomal Recessive. To our knowledge, no experimental evidence demonstrating an impact on protein function has been reported. The following publication has been ascertained in the context of this evaluation (PMID: 28780565). No submitters have cited clinical-significance assessments for this variant to ClinVar. Based on the evidence outlined above, the variant was classified as uncertain significance.

Literature cited by the submitters: PubMed 28780565.

NM_000092.5(COL4A4):c.809G>A (p.Gly270Glu)

Gene: COL4A4 (collagen type IV alpha 4 chain; minus strand). Cytogenetic location: 2q36.3.
Variant type: single nucleotide variant.
Coding change: c.809G>A on transcript NM_000092.5 (MANE Select); coding-DNA position 809, G replaced by A.
Protein change: p.Gly270Glu; replaces glycine 270 with glutamic acid.
Molecular consequence: missense variant.
Genome position (GRCh38, 1-based): chr2:227,103,979, C>T on the plus strand (G>A on the coding strand, the complement: COL4A4 is on the minus strand). VCF-style: chr2-227103979-C-T. GRCh37 (hg19) VCF-style: chr2-227968695-C-T.
Other names: short protein forms G270E.
Identifiers: ClinVar variation 4688791 (VCV004688791.1).